The following is an entry in ClinVar:

ClinVar aggregate classification (germline): Likely pathogenic (1 of 4 stars; one submission).

Conditions:
Rafiq syndrome (RAFQS). Identifiers: Orphanet 88616, MedGen C3280127, MONDO:0013624, OMIM 614202.

Submission:

Juno Genomics, Hangzhou Juno Genomics, Inc
Classification: Likely pathogenic for Rafiq syndrome. Review status: criteria provided, single submitter. Criteria: ACMG Guidelines, 2015. Collection method: clinical testing. Allele origin: germline. Affected: yes.
Comment: Null variant in a gene where loss of function (LOF) is a known mechanism of disease.;Absent from controls (or at extremely low frequency if recessive) in Genome Aggregation Database, Exome Sequencing Project, 1000 Genomes Project, or Exome Aggregation Consortium.

NM_016219.5(MAN1B1):c.349del (p.Glu117fs)

Gene: MAN1B1 (mannosidase alpha class 1B member 1; plus strand). Cytogenetic location: 9q34.3.
Variant type: Deletion.
Coding change: c.349del on transcript NM_016219.5 (MANE Select); coding-DNA position 349, one base deleted (G; older notation c.349delG).
Protein change: p.Glu117fs; shifts the reading frame from glutamic acid 117.
Molecular consequence: frameshift variant. On other transcripts: non-coding transcript variant (2).
Genome position (GRCh38, 1-based): chr9:137,088,889, G deleted; the last of 2 consecutive G bases (chr9:137,088,888-137,088,889); deleting either gives the same sequence. VCF-style (leftmost placement, unchanged base first): chr9-137088887-AG-A. GRCh37 (hg19) VCF-style: chr9-139983339-AG-A.
Other names: short protein forms E117fs.
Identifiers: ClinVar variation 3381903 (VCV003381903.2).